The following is an entry in ClinVar:

NM_001378183.1(PIEZO2):c.704-3T>C

Gene: PIEZO2 (piezo type mechanosensitive ion channel component 2; minus strand). Cytogenetic location: 18p11.22.
Variant type: single nucleotide variant.
Coding change: c.704-3T>C on transcript NM_001378183.1 (MANE Select); 3 bases into the intron before coding-DNA position 704, T replaced by C.
Molecular consequence: intron variant.
Genome position (GRCh38, 1-based): chr18:10,855,569, A>G on the plus strand (T>C on the coding strand, the complement: PIEZO2 is on the minus strand). VCF-style: chr18-10855569-A-G. GRCh37 (hg19) VCF-style: chr18-10855567-A-G.
Other names: c.704-3T>C (NM_022068.4).
Identifiers: ClinVar variation 719400 (VCV000719400.8), dbSNP rs762788496, ClinGen allele CA8892819.

ClinVar aggregate classification (germline): Benign/Likely benign. Review status: criteria provided, multiple submitters, no conflicts (2 of 4 stars). 3 submissions from 3 submitters: Benign (1); Likely benign (1). 1 of the submissions does not count toward it. Last evaluated 2025-10-15.

Conditions:
PIEZO2-related disorder. Also called: PIEZO2-related condition; PIEZO2-related disorders.

Allele frequency attached by ClinVar (database versions not stated): gnomAD 0.00004 and 0.00005; ExAC 0.00006; gnomAD exomes 0.00006 and 0.00010; TOPMed 0.00006.
gnomAD v4.1: 144 of 1,530,006 alleles (0.0094%); highest among the groups gnomAD compares: Middle Eastern, 0.12%; no homozygotes.

Submissions (3):

Labcorp Genetics (formerly Invitae), Labcorp
Classification: Benign. Last evaluated: 2025-10-15. Review status: criteria provided, single submitter. Criteria: Invitae Variant Classification Sherloc (09022015). Collection method: clinical testing. Allele origin: germline.

Blueprint Genetics
Classification: Likely benign. Last evaluated: 2024-09-30. Review status: criteria provided, single submitter. Criteria: ACMG Guidelines, 2015. Collection method: clinical testing. Allele origin: germline.

PreventionGenetics, part of Exact Sciences
Classification: Likely benign for PIEZO2-related condition. Last evaluated: 2019-04-09. Review status: no assertion criteria provided. Collection method: clinical testing. Allele origin: germline. Not counted in ClinVar's aggregate classification.
Comment: This variant is classified as likely benign based on ACMG/AMP sequence variant interpretation guidelines (Richards et al. 2015 PMID: 25741868, with internal and published modifications).